The following is an entry in ClinVar:

NM_001267550.2(TTN):c.42804G>A (p.Glu14268=)

Gene: TTN (titin; minus strand). Cytogenetic location: 2q31.2.
Variant type: single nucleotide variant.
Coding change: c.42804G>A on transcript NM_001267550.2 (MANE Select); coding-DNA position 42804, G replaced by A.
Protein change: p.Glu14268=; no amino-acid change (glutamic acid 14268 retained).
Molecular consequence: synonymous variant.
Genome position (GRCh38, 1-based): chr2:178,633,555, C>T on the plus strand (G>A on the coding strand, the complement: TTN is on the minus strand). VCF-style: chr2-178633555-C-T. GRCh37 (hg19) VCF-style: chr2-179498282-C-T.
Other names: c.37881G>A, p.Glu12627= (NM_001256850.1); c.15609G>A, p.Glu5203= (NM_003319.4); c.35100G>A, p.Glu11700= (NM_133378.4); c.15984G>A, p.Glu5328= (NM_133432.3); c.16185G>A, p.Glu5395= (NM_133437.4).
Identifiers: ClinVar variation 4086042 (VCV004086042.8).

ClinVar aggregate classification (germline): Likely benign (1 of 4 stars; one submission).

gnomAD v4.1: 1 of 1,613,424 alleles (0.000062%); highest among the groups gnomAD compares: Non-Finnish European, 0.000085%; no homozygotes.

Submission:

CeGaT Center for Human Genetics Tuebingen
Classification: Likely benign. Last evaluated: 2025-07-01. Review status: criteria provided, single submitter. Criteria: CeGaT Center For Human Genetics Tuebingen Variant Classification Criteria Version 2. Collection method: clinical testing. Allele origin: germline. Affected: yes. Observed: 1 variant allele.
Comment: TTN: BP4, BP7